The following is an entry in ClinVar:

NM_001128228.3(TPRN):c.650del (p.Gly217fs)

Gene: TPRN (taperin; minus strand). Cytogenetic location: 9q34.3.
Variant type: Deletion.
Coding change: c.650del on transcript NM_001128228.3 (MANE Select); coding-DNA position 650, one base deleted (G; older notation c.650delG).
Protein change: p.Gly217fs; shifts the reading frame from glycine 217.
Molecular consequence: frameshift variant.
Genome position (GRCh38, 1-based): chr9:137,200,062, C deleted on the plus strand (G on the coding strand, the reverse complement: TPRN is on the minus strand); the first of 3 consecutive C bases (chr9:137,200,062-137,200,064); deleting any one gives the same sequence. VCF-style (leftmost placement, unchanged base first): chr9-137200061-GC-G. GRCh37 (hg19) VCF-style: chr9-140094513-GC-G.
Other names: short protein forms G217fs.
Identifiers: ClinVar variation 3601942 (VCV003601942.1).

ClinVar aggregate classification (germline): Pathogenic (1 of 4 stars; one submission).

Conditions:
Autosomal recessive nonsyndromic hearing loss 79. Identifiers: Orphanet 90636, MedGen C2750082, MONDO:0013215, OMIM 613307.

Submission:

Institute of Rare Diseases, West China Hospital, Sichuan University
Classification: Pathogenic for Autosomal recessive nonsyndromic hearing loss 79. Last evaluated: 2025-01-09. Review status: criteria provided, single submitter. Criteria: ClinGen HL ACMG Specifications v1. Collection method: research. Allele origin: germline. Affected: yes.
Comment: PVS1;PM3_Supporting;PM2_Supporting